The following is an entry in ClinVar:

ClinVar aggregate classification (germline): Benign. Review status: criteria provided, multiple submitters, no conflicts (2 of 4 stars). 2 submissions from 2 submitters: Benign (2). Last evaluated 2018-06-19.

Allele frequency attached by ClinVar (database versions not stated): TOPMed 0.12616; gnomAD 0.13217 and 0.13730; 1000 Genomes Project 30x 0.13429; 1000 Genomes Project 0.14137; gnomAD exomes 0.18297.
gnomAD v4.1: 80,495 of 479,160 alleles (17%); highest among the groups gnomAD compares: South Asian, 24%; 7,688 homozygotes.

Submissions (2):

GeneDx
Classification: Benign. Last evaluated: 2018-06-19. Review status: criteria provided, single submitter. Criteria: GeneDx Variant Classification (06012015). Collection method: clinical testing. Allele origin: germline. Affected: yes.
Comment: This variant is considered likely benign or benign based on one or more of the following criteria: it is a conservative change, it occurs at a poorly conserved position in the protein, it is predicted to be benign by multiple in silico algorithms, and/or has population frequency not consistent with disease.

Breakthrough Genomics
Classification: Benign. Review status: criteria provided, single submitter. Criteria: ACMG Guidelines, 2015. Collection method: not provided. Allele origin: germline. Inheritance: Autosomal recessive inheritance. Affected: yes.

NM_003680.4(YARS1):c.1141-298A>T

Gene: YARS1 (tyrosyl-tRNA synthetase 1; minus strand). Cytogenetic location: 1p35.1.
Variant type: single nucleotide variant.
Coding change: c.1141-298A>T on transcript NM_003680.4 (MANE Select); 298 bases into the intron before coding-DNA position 1141, A replaced by T.
Molecular consequence: intron variant.
Genome position (GRCh38, 1-based): chr1:32,780,576, T>A on the plus strand (A>T on the coding strand, the complement: YARS1 is on the minus strand). VCF-style: chr1-32780576-T-A. GRCh37 (hg19) VCF-style: chr1-33246177-T-A.
Identifiers: ClinVar variation 671818 (VCV000671818.2), dbSNP rs2282294, ClinGen allele CA10767501.